The following is an entry in ClinVar:

ClinVar aggregate classification (germline): Uncertain significance. Review status: criteria provided, multiple submitters, no conflicts (2 of 4 stars). 2 submissions from 2 submitters: Uncertain significance (2). Last evaluated 2024-03-01.

Conditions:
Inborn genetic diseases. Identifiers: MedGen C0950123, MeSH D030342.

Allele frequency attached by ClinVar (database versions not stated): gnomAD exomes below 0.00001; TOPMed below 0.00001.

Submissions (2):

Ambry Genetics
Classification: Uncertain significance for Inborn genetic diseases. Last evaluated: 2024-03-01. Review status: criteria provided, single submitter. Criteria: Ambry Variant Classification Scheme 2023. Collection method: clinical testing. Allele origin: germline.

Labcorp Genetics (formerly Invitae), Labcorp
Classification: Uncertain significance. Last evaluated: 2023-02-19. Review status: criteria provided, single submitter. Criteria: Invitae Variant Classification Sherloc (09022015). Collection method: clinical testing. Allele origin: germline.
Comment: This sequence change replaces arginine, which is basic and polar, with lysine, which is basic and polar, at codon 814 of the MTOR protein (p.Arg814Lys). This variant is present in population databases (no rsID available, gnomAD 0.0009%). This variant has not been reported in the literature in individuals affected with MTOR-related conditions. ClinVar contains an entry for this variant (Variation ID: 1063413). Advanced modeling of protein sequence and biophysical properties (such as structural, functional, and spatial information, amino acid conservation, physicochemical variation, residue mobility, and thermodynamic stability) performed at Invitae indicates that this missense variant is not expected to disrupt MTOR protein function. In summary, the available evidence is currently insufficient to determine the role of this variant in disease. Therefore, it has been classified as a Variant of Uncertain Significance.

NM_004958.4(MTOR):c.2441G>A (p.Arg814Lys)

Gene: MTOR (mechanistic target of rapamycin kinase; minus strand). Cytogenetic location: 1p36.22.
Variant type: single nucleotide variant.
Coding change: c.2441G>A on transcript NM_004958.4 (MANE Select); coding-DNA position 2441, G replaced by A.
Protein change: p.Arg814Lys; replaces arginine 814 with lysine.
Molecular consequence: missense variant.
Genome position (GRCh38, 1-based): chr1:11,232,509, C>T on the plus strand (G>A on the coding strand, the complement: MTOR is on the minus strand). VCF-style: chr1-11232509-C-T. GRCh37 (hg19) VCF-style: chr1-11292566-C-T.
Other names: c.2441G>A, p.Arg814Lys (NM_001386500.1); c.1193G>A, p.Arg398Lys (NM_001386501.1); c.2441G>A (NM_004958.3); short protein forms R398K, R814K.
Identifiers: ClinVar variation 1063413 (VCV001063413.10), dbSNP rs1396194433, ClinGen allele CA338383713.